The following is an entry in ClinVar:

NM_000059.4(BRCA2):c.6096T>C (p.Ala2032=)

Gene: BRCA2 (BRCA2 DNA repair associated; plus strand). Cytogenetic location: 13q13.1.
Variant type: single nucleotide variant.
Coding change: c.6096T>C on transcript NM_000059.4 (MANE Select); coding-DNA position 6096, T replaced by C.
Protein change: p.Ala2032=; no amino-acid change (alanine 2032 retained).
Molecular consequence: synonymous variant.
Genome position (GRCh38, 1-based): chr13:32,340,451, T>C. VCF-style: chr13-32340451-T-C. GRCh37 (hg19) VCF-style: chr13-32914588-T-C.
Identifiers: ClinVar variation 388421 (VCV000388421.12), dbSNP rs1057523102, ClinGen allele CA16607472.

ClinVar aggregate classification (germline): Likely benign. Review status: criteria provided, multiple submitters, no conflicts (2 of 4 stars). 3 submissions from 3 submitters: Likely benign (3). Last evaluated 2020-11-05.

Conditions:
Hereditary breast ovarian cancer syndrome. Also called: Hereditary breast and ovarian cancer syndrome; BRCA1- and BRCA2-Associated Hereditary Breast and Ovarian Cancer; Hereditary breast and ovarian cancer; Hereditary breast and/or ovarian cancer syndrome; Hereditary breast and ovarian cancer syndrome (HBOC); Breast and ovarian cancer. Identifiers: Orphanet 145, MedGen C0677776, MeSH D061325, MONDO:0003582. Disease mechanism: loss of function.
Hereditary cancer-predisposing syndrome. Also called: Hereditary Cancer Syndrome; Hereditary neoplastic syndrome; Neoplastic Syndromes, Hereditary; Tumor predisposition. Identifiers: Orphanet 140162, MedGen C0027672, MeSH D009386, MONDO:0015356.

Submissions (3):

Ambry Genetics
Classification: Likely benign for Hereditary cancer-predisposing syndrome. Last evaluated: 2020-11-05. Review status: criteria provided, single submitter. Criteria: Ambry Variant Classification Scheme 2023. Collection method: clinical testing. Allele origin: germline.

Labcorp Genetics (formerly Invitae), Labcorp
Classification: Likely benign for Hereditary breast ovarian cancer syndrome. Last evaluated: 2018-01-10. Review status: criteria provided, single submitter. Criteria: Invitae Variant Classification Sherloc (09022015). Collection method: clinical testing. Allele origin: germline.

GeneDx
Classification: Likely benign. Last evaluated: 2016-08-08. Review status: criteria provided, single submitter. Criteria: GeneDx Variant Classification (06012015). Collection method: clinical testing. Allele origin: germline. Affected: yes.
Comment: This variant is considered likely benign or benign based on one or more of the following criteria: it is a conservative change, it occurs at a poorly conserved position in the protein, it is predicted to be benign by multiple in silico algorithms, and/or has population frequency not consistent with disease.